The following is an entry in ClinVar:

ClinVar aggregate classification (germline): Likely benign (1 of 4 stars; one submission).

Conditions:
PLXNA1-related disorder. Also called: PLXNA1-related condition.

gnomAD v4.1: 17 of 1,613,100 alleles (0.0011%); highest among the groups gnomAD compares: Non-Finnish European, 0.0013%; no homozygotes.

Submission:

PreventionGenetics, part of Exact Sciences
Classification: Likely benign for PLXNA1-related condition. Last evaluated: 2026-03-24. Review status: criteria provided, single submitter. Criteria: ACMG Guidelines, 2015. Collection method: clinical testing. Allele origin: germline.
Comment: This variant is classified as likely benign based on ACMG/AMP sequence variant interpretation guidelines (Richards et al. 2015 PMID: 25741868, with internal and published modifications).

NM_032242.4(PLXNA1):c.3939C>T (p.Asp1313=)

Gene: PLXNA1 (plexin A1; plus strand). Cytogenetic location: 3q21.3.
Variant type: single nucleotide variant.
Coding change: c.3939C>T on transcript NM_032242.4 (MANE Select); coding-DNA position 3939, C replaced by T.
Protein change: p.Asp1313=; no amino-acid change (aspartic acid 1313 retained).
Molecular consequence: synonymous variant.
Genome position (GRCh38, 1-based): chr3:127,020,245, C>T. VCF-style: chr3-127020245-C-T. GRCh37 (hg19) VCF-style: chr3-126739088-C-T.
Identifiers: ClinVar variation 4989966 (VCV004989966.1).